The following is an entry in ClinVar:

NM_004444.5(EPHB4):c.1692G>C (p.Arg564Ser)

Gene: EPHB4 (EPH receptor B4; minus strand). Cytogenetic location: 7q22.1.
Variant type: single nucleotide variant.
Coding change: c.1692G>C on transcript NM_004444.5 (MANE Select); coding-DNA position 1692, G replaced by C.
Protein change: p.Arg564Ser; replaces arginine 564 with serine.
Molecular consequence: missense variant.
Genome position (GRCh38, 1-based): chr7:100,813,716, C>G on the plus strand (G>C on the coding strand, the complement: EPHB4 is on the minus strand). VCF-style: chr7-100813716-C-G. GRCh37 (hg19) VCF-style: chr7-100411338-C-G.
Other names: c.1692G>C (NM_004444.4); short protein forms R564S.
Identifiers: ClinVar variation 3340438 (VCV003340438.2).

ClinVar aggregate classification (germline): Uncertain significance. Review status: criteria provided, multiple submitters, no conflicts (2 of 4 stars). 2 submissions from 2 submitters: Uncertain significance (2). Last evaluated 2025-06-01.

Conditions:
Cardiovascular phenotype. Identifiers: MedGen CN230736.

gnomAD v4.1: 18 of 1,614,210 alleles (0.0011%); highest among the groups gnomAD compares: Middle Eastern, 0.016%; no homozygotes.

Submissions (2):

Ambry Genetics
Classification: Uncertain significance for Cardiovascular phenotype. Last evaluated: 2025-06-01. Review status: criteria provided, single submitter. Criteria: Ambry Variant Classification Scheme 2023. Collection method: clinical testing. Allele origin: germline.
Comment: The p.R564S variant (also known as c.1692G>C) is located in coding exon 10 of the EPHB4 gene. The arginine at codon 564 is replaced by serine, an amino acid with dissimilar properties. This change occurs in the first base pair of coding exon 10. This amino acid position is conserved. In addition, the in silico prediction for this alteration is inconclusive. Based on the available evidence, the clinical significance of this variant remains unclear.

Seattle Children's Hospital Molecular Genetics Laboratory, Seattle Children's Hospital
Classification: Uncertain significance. Review status: criteria provided, single submitter. Criteria: ACMG Guidelines, 2015. Collection method: clinical testing. Allele origin: germline. Affected: yes.
Comment: The p.Arg564Ser variant is predicted to substitute the arginine at amino acid position 564 serine cysteine. This variant occurs in a transmembrane domain of the EPHB4 protein. This variant is absent from the medical literature but is present in large population studies (18/1,5614,210 alleles, gnomAD v4). In silico tools predict that this variant may cause an in-frame skipping of exons 9 and 10 of EPHB4 (PMID: 36747048). This exon skipping would result in a partial loss of the protein's kinase domain. While this variant appears to be novel, another variant predicted to result in skipping of exons 9 and 10 has been observed in an individual with capillary malformation-arteriovenous malformation 2 (CM-AVM2, MIM: 618196) and an in-frame deletion of the kinase domain has been reported in an individual with central conducting lymphatic anomaly (CCLA) (PMID: 28687708, PMID: 29905864).